The following is an entry in ClinVar:

NM_018942.3(HMX1):c.730G>C (p.Glu244Gln)

Gene: HMX1 (H6 family homeobox 1; minus strand). Cytogenetic location: 4p16.1.
Variant type: single nucleotide variant.
Coding change: c.730G>C on transcript NM_018942.3 (MANE Select); coding-DNA position 730, G replaced by C.
Protein change: p.Glu244Gln; replaces glutamic acid 244 with glutamine.
Molecular consequence: missense variant. On other transcripts: intron variant (1).
Genome position (GRCh38, 1-based): chr4:8,868,010, C>G on the plus strand (G>C on the coding strand, the complement: HMX1 is on the minus strand). VCF-style: chr4-8868010-C-G. GRCh37 (hg19) VCF-style: chr4-8869736-C-G.
Other names: c.394+3211G>C (NM_001306142.2); short protein forms E244Q.
Identifiers: ClinVar variation 1999695 (VCV001999695.4), dbSNP rs1450699483, ClinGen allele CA356277948.
Genomic context (GRCh38, chr4:8,868,010, plus strand): 5'-CTGCCAGCTGCCGCTTCCACTTGTTGCGGCGGTTCTGGAACCAGATCTTAACCTGCGTCT[C>G]GGTGAGCTGCAGGGAGGCGGCCAGGCCGGCGCGCTCGGCGCTGCTCAGGTAGCGCTTCAG-3'
Protein context (NP_061815.2, residues 234-254): AGLAASLQLT[Glu244Gln]TQVKIWFQNR

ClinVar aggregate classification (germline): Uncertain significance (1 of 4 stars; one submission).

Submission:

Labcorp Genetics (formerly Invitae), Labcorp
Classification: Uncertain significance. Last evaluated: 2023-05-22. Review status: criteria provided, single submitter. Criteria: Invitae Variant Classification Sherloc (09022015). Collection method: clinical testing. Allele origin: germline.
Comment: In summary, the available evidence is currently insufficient to determine the role of this variant in disease. Therefore, it has been classified as a Variant of Uncertain Significance. Advanced modeling of protein sequence and biophysical properties (such as structural, functional, and spatial information, amino acid conservation, physicochemical variation, residue mobility, and thermodynamic stability) performed at Invitae indicates that this missense variant is expected to disrupt HMX1 protein function. ClinVar contains an entry for this variant (Variation ID: 1999695). This variant has not been reported in the literature in individuals affected with HMX1-related conditions. This variant is not present in population databases (gnomAD no frequency). This sequence change replaces glutamic acid, which is acidic and polar, with glutamine, which is neutral and polar, at codon 244 of the HMX1 protein (p.Glu244Gln).